The following is an entry in ClinVar:

ClinVar aggregate classification (germline): Conflicting classifications of pathogenicity. Review status: criteria provided, conflicting classifications (1 of 4 stars). 5 submissions from 5 submitters: Likely pathogenic (1); Uncertain significance (4). Last evaluated 2025-06-17.

Conditions:
Rothmund-Thomson syndrome type 2 (RTS2). Identifiers: Orphanet 221016, MedGen C5203410, MONDO:0016369, OMIM 268400.
Ovarian cancer. Also called: OVARIAN CANCER, SOMATIC. Identifiers: Orphanet 213500, MedGen C1140680, MONDO:0008170, OMIM 167000.
RECQL4-related disorder. Also called: RECQL4-related condition; RECQL4-related disorders.
Baller-Gerold syndrome (BGS). Also called: CRANIOSYNOSTOSIS WITH RADIAL DEFECTS. Identifiers: Orphanet 1225, MedGen C0265308, MONDO:0009039, OMIM 218600.

Allele frequency attached by ClinVar (database versions not stated): TOPMed 0.00003; gnomAD exomes 0.00004; ExAC 0.00005; gnomAD 0.00008 and 0.00009.
gnomAD v4.1: 40 of 1,550,364 alleles (0.0026%); highest among the groups gnomAD compares: East Asian, 0.024%; no homozygotes.

Submissions (5):

St. Jude Molecular Pathology, St. Jude Children's Research Hospital
Classification: Uncertain significance for Rothmund-Thomson syndrome type 2. Last evaluated: 2025-06-17. Review status: criteria provided, single submitter. Criteria: St. Jude Assertion Criteria 2020. Collection method: clinical testing. Allele origin: germline.
Comment: The RECQL4 c.2069C>T p.(Thr690Met) missense change has a maximum subpopulation frequ ency of 0.048% in gnomAD v2.1.1. In silico tools are inconclusive about a pathogenic or benign effect of this variant on protein function, and to our knowledge functional studies have not been performed. To our knowledge, this variant has not been reported in individuals with RECQL4-associated conditions. In summary, the evidence currently available is insufficient to determine the clinical significance of this variant. It has therefore been classified as of uncertain significance.

Labcorp Genetics (formerly Invitae), Labcorp
Classification: Uncertain significance for Baller-Gerold syndrome. Last evaluated: 2025-02-02. Review status: criteria provided, single submitter. Criteria: Invitae Variant Classification Sherloc (09022015). Collection method: clinical testing. Allele origin: germline.
Comment: This sequence change replaces threonine, which is neutral and polar, with methionine, which is neutral and non-polar, at codon 690 of the RECQL4 protein (p.Thr690Met). This variant is present in population databases (rs369950284, gnomAD 0.05%). This variant has not been reported in the literature in individuals affected with RECQL4-related conditions. ClinVar contains an entry for this variant (Variation ID: 528913). Invitae Evidence Modeling of protein sequence and biophysical properties (such as structural, functional, and spatial information, amino acid conservation, physicochemical variation, residue mobility, and thermodynamic stability) has been performed for this missense variant. However, the output from this modeling did not meet the statistical confidence thresholds required to predict the impact of this variant on RECQL4 protein function. In summary, the available evidence is currently insufficient to determine the role of this variant in disease. Therefore, it has been classified as a Variant of Uncertain Significance.

PreventionGenetics, part of Exact Sciences
Classification: Uncertain significance for RECQL4-related condition. Last evaluated: 2024-10-30. Review status: criteria provided, single submitter. Criteria: ACMG Guidelines, 2015. Collection method: clinical testing. Allele origin: germline.
Comment: The RECQL4 c.2069C>T variant is predicted to result in the amino acid substitution p.Thr690Met. To our knowledge, this variant has not been reported in the literature. This variant is reported in 0.048% of alleles in individuals of East Asian descent in gnomAD. At this time, the clinical significance of this variant is uncertain due to the absence of conclusive functional and genetic evidence.

Baylor Genetics
Classification: Uncertain significance for Rothmund-Thomson syndrome type 2. Last evaluated: 2022-01-05. Review status: criteria provided, single submitter. Criteria: ACMG Guidelines, 2015. Collection method: clinical testing. Allele origin: unknown. Affected: yes. Study: CSER-TexasKidsCanSeq.
Comment: This variant was determined to be of uncertain significance according to ACMG Guidelines, 2015 [PMID:25741868].

Laboratory of Molecular Epidemiology of Birth Defects, West China Second University Hospital, Sichuan University
Classification: Likely pathogenic for Ovarian cancer. Last evaluated: 2022-01-01. Review status: criteria provided, single submitter. Criteria: ACMG Guidelines, 2015. Collection method: clinical testing. Allele origin: germline. Affected: yes.

NM_004260.4(RECQL4):c.2069C>T (p.Thr690Met)

Gene: RECQL4 (RecQ like helicase 4; minus strand). Cytogenetic location: 8q24.3.
Variant type: single nucleotide variant.
Coding change: c.2069C>T on transcript NM_004260.4 (MANE Select); coding-DNA position 2069, C replaced by T.
Protein change: p.Thr690Met; replaces threonine 690 with methionine.
Molecular consequence: missense variant.
Genome position (GRCh38, 1-based): chr8:144,513,702, G>A on the plus strand (C>T on the coding strand, the complement: RECQL4 is on the minus strand). VCF-style: chr8-144513702-G-A. GRCh37 (hg19) VCF-style: chr8-145739086-G-A.
Other names: short protein forms T690M.
Identifiers: ClinVar variation 528913 (VCV000528913.13), dbSNP rs369950284, ClinGen allele CA4948479.